The following is an entry in ClinVar:

ClinVar aggregate classification (germline): Uncertain significance (1 of 4 stars; one submission).

Conditions:
Spastic paraplegia. Identifiers: MedGen C0037772, HP:0001258.

Allele frequency attached by ClinVar (database versions not stated): gnomAD exomes 0.00001; TOPMed 0.00001.
gnomAD v4.1: 13 of 1,614,040 alleles (0.00081%); highest among the groups gnomAD compares: Non-Finnish European, 0.0011%; no homozygotes.

Submissions (2):

Labcorp Genetics (formerly Invitae), Labcorp
Classification: Uncertain significance for Spastic paraplegia. Last evaluated: 2022-07-12. Review status: criteria provided, single submitter. Criteria: Invitae Variant Classification Sherloc (09022015). Collection method: clinical testing. Allele origin: germline.
Comment: This sequence change replaces cysteine, which is neutral and slightly polar, with phenylalanine, which is neutral and non-polar, at codon 1823 of the SACS protein (p.Cys1823Phe). This variant is not present in population databases (gnomAD no frequency). This variant has not been reported in the literature in individuals affected with SACS-related conditions. ClinVar contains an entry for this variant (Variation ID: 1401464). Algorithms developed to predict the effect of missense changes on protein structure and function are either unavailable or do not agree on the potential impact of this missense change (SIFT: "Deleterious"; PolyPhen-2: "Possibly Damaging"; Align-GVGD: "Class C0"). In summary, the available evidence is currently insufficient to determine the role of this variant in disease. Therefore, it has been classified as a Variant of Uncertain Significance.

Dr. Peter K. Rogan Lab, Western University
No classification provided (evidence only). Condition: Ovarian serous cystadenocarcinoma. Review status: no classification provided. Collection method: in vitro. Allele origin: not applicable. Functional consequence: retained intron. Not counted in ClinVar's aggregate classification.

NM_014363.6(SACS):c.5468G>T (p.Cys1823Phe)

Gene: SACS (sacsin molecular chaperone; minus strand). Cytogenetic location: 13q12.12.
Variant type: single nucleotide variant.
Coding change: c.5468G>T on transcript NM_014363.6 (MANE Select); coding-DNA position 5468, G replaced by T.
Protein change: p.Cys1823Phe; replaces cysteine 1823 with phenylalanine.
Molecular consequence: missense variant.
Genome position (GRCh38, 1-based): chr13:23,338,408, C>A on the plus strand (G>T on the coding strand, the complement: SACS is on the minus strand). VCF-style: chr13-23338408-C-A. GRCh37 (hg19) VCF-style: chr13-23912547-C-A.
Other names: c.5027G>T, p.Cys1676Phe (NM_001278055.2); short protein forms C1676F, C1823F.
Identifiers: ClinVar variation 1401464 (VCV001401464.6), dbSNP rs967386746, ClinGen allele CA246659103.